The following is an entry in ClinVar:

NM_000545.8(HNF1A):c.*865G>A

Genes: C12orf43 (chromosome 12 open reading frame 43; minus strand), HNF1A (HNF1 homeobox A; plus strand). Cytogenetic location: 12q24.31.
Variant type: single nucleotide variant.
Coding change: c.*865G>A on transcript NM_000545.8 (MANE Select); 865 bases downstream of the stop codon, G replaced by A.
Molecular consequence: 3 prime UTR variant.
Genome position (GRCh38, 1-based): chr12:121,002,057, G>A. VCF-style: chr12-121002057-G-A. GRCh37 (hg19) VCF-style: chr12-121439860-G-A.
Other names: c.*2096C>T (NM_001286191.2, NM_001286196.2, NM_022895.3); c.*865G>A (NM_001306179.2, NM_001406915.1).
Identifiers: ClinVar variation 802898 (VCV000802898.2), dbSNP rs571134960, ClinGen allele CA6832238.

ClinVar aggregate classification (germline): Benign/Likely benign. Review status: criteria provided, multiple submitters, no conflicts (2 of 4 stars). 2 submissions from 2 submitters: Benign (1); Likely benign (1). Last evaluated 2019-05-28.

Conditions:
Maturity-onset diabetes of the young (MODY). Also called: Maturity onset diabetes mellitus in young. Identifiers: Orphanet 552, MedGen C0342276, MONDO:0018911, HP:0004904.
Maturity-onset diabetes of the young type 3. Also called: MODY, type III; MODY type 3. Identifiers: Orphanet 552, MedGen C1838100, MeSH C563933, MONDO:0010894, OMIM 600496. Disease mechanism: loss of function.

Allele frequency attached by ClinVar (database versions not stated): ExAC 0.00010; TOPMed 0.00010; gnomAD 0.00011; gnomAD exomes 0.00015; 1000 Genomes Project 30x 0.00016; 1000 Genomes Project 0.00020.
gnomAD v4.1: 55 of 536,772 alleles (0.01%); highest among the groups gnomAD compares: Middle Eastern, 0.056%; no homozygotes.

Submissions (2):

Mendelics
Classification: Likely benign for Maturity-onset diabetes of the young type 3. Last evaluated: 2019-05-28. Review status: criteria provided, single submitter. Criteria: Mendelics Assertion Criteria 2017. Collection method: clinical testing. Allele origin: unknown.

Clinical Genomics, Uppaluri K&H Personalized Medicine Clinic
Classification: Benign for Maturity-onset diabetes of the young. Review status: criteria provided, single submitter. Criteria: K & H Uppaluri Personalized Medicine Clinic Variant Classification & Assertion Criteria_Updated V.1. Collection method: research. Allele origin: unknown. Inheritance: Autosomal dominant inheritance.
Comment: Mutations in HNF1A gene can predispose to MODY3. It is associated with both micro and macrovascular complications of diabetes, especially cardiovascular complications. Associated with glucosuria. May respond well to sulfonylureas. However, more evidence is required to confer the association of this particular variant rs571134960 with MODY3.

Literature cited by the submitters: PubMed 31517624 (cited by Clinical Genomics, Uppaluri K&H Personalized Medicine Clinic); PubMed 32395877 (cited by Clinical Genomics, Uppaluri K&H Personalized Medicine Clinic); PubMed 35328643 (cited by Clinical Genomics, Uppaluri K&H Personalized Medicine Clinic); PubMed 35673428 (cited by Clinical Genomics, Uppaluri K&H Personalized Medicine Clinic).